The following is an entry in ClinVar:

NM_001267550.2(TTN):c.104365G>C (p.Glu34789Gln)

Genes: TTN-AS1 (TTN antisense RNA 1; plus strand), TTN (titin; minus strand). Cytogenetic location: 2q31.2.
Variant type: single nucleotide variant.
Coding change: c.104365G>C on transcript NM_001267550.2 (MANE Select); coding-DNA position 104365, G replaced by C.
Protein change: p.Glu34789Gln; replaces glutamic acid 34789 with glutamine.
Molecular consequence: missense variant.
Genome position (GRCh38, 1-based): chr2:178,532,250, C>G on the plus strand (G>C on the coding strand, the complement: TTN is on the minus strand). VCF-style: chr2-178532250-C-G. GRCh37 (hg19) VCF-style: chr2-179396977-C-G.
Other names: c.99442G>C, p.Glu33148Gln (NM_001256850.1); c.77170G>C, p.Glu25724Gln (NM_003319.4); c.96661G>C, p.Glu32221Gln (NM_133378.4); c.77545G>C, p.Glu25849Gln (NM_133432.3); c.77746G>C, p.Glu25916Gln (NM_133437.4); short protein forms E34789Q, E25916Q, E25724Q, E25849Q, E32221Q, E33148Q.
Identifiers: ClinVar variation 534977 (VCV000534977.9), dbSNP rs190565627, ClinGen allele CA349411899.

ClinVar aggregate classification (germline): Uncertain significance (1 of 4 stars; one submission).

Conditions:
Autosomal recessive limb-girdle muscular dystrophy type 2J (LGMDR10). Also called: Limb-girdle muscular dystrophy, type 2J; MUSCULAR DYSTROPHY, LIMB-GIRDLE, AUTOSOMAL RECESSIVE 10. Identifiers: Orphanet 140922, MedGen C1837342, MONDO:0012127, OMIM 608807.
Dilated cardiomyopathy 1G (CMD1G). Identifiers: Orphanet 154, MedGen C1858763, MONDO:0011400, OMIM 604145.

Submission:

Labcorp Genetics (formerly Invitae), Labcorp
Classification: Uncertain significance for Dilated cardiomyopathy 1G; Autosomal recessive limb-girdle muscular dystrophy type 2J. Last evaluated: 2025-04-23. Review status: criteria provided, single submitter. Criteria: Invitae Variant Classification Sherloc (09022015). Collection method: clinical testing. Allele origin: germline.
Comment: This sequence change replaces glutamic acid, which is acidic and polar, with glutamine, which is neutral and polar, at codon 34789 of the TTN protein (p.Glu34789Gln). This variant is not present in population databases (gnomAD no frequency). This variant has not been reported in the literature in individuals affected with TTN-related conditions. ClinVar contains an entry for this variant (Variation ID: 534977). Experimental studies and prediction algorithms are not available or were not evaluated, and the functional significance of this variant is currently unknown. This variant is located in the M band of TTN (PMID: 25589632). Non-truncating variants in this region may be relevant for neuromuscular disorders, but have not been definitively shown to cause cardiomyopathy (PMID: 23975875). In summary, the available evidence is currently insufficient to determine the role of this variant in disease. Therefore, it has been classified as a Variant of Uncertain Significance.

Literature cited by the submitters: PubMed 25589632; PubMed 23975875.